The following is an entry in ClinVar:

NM_002579.3(PALM):c.90C>G (p.Asn30Lys)

Gene: PALM (paralemmin; plus strand). Cytogenetic location: 19p13.3.
Variant type: single nucleotide variant.
Coding change: c.90C>G on transcript NM_002579.3 (MANE Select); coding-DNA position 90, C replaced by G.
Protein change: p.Asn30Lys; replaces asparagine 30 with lysine.
Molecular consequence: missense variant.
Genome position (GRCh38, 1-based): chr19:727,040, C>G. VCF-style: chr19-727040-C-G. GRCh37 (hg19) VCF-style: chr19-727040-C-G.
Other names: c.90C>G, p.Asn30Lys (NM_001040134.2); short protein forms N30K.
Identifiers: ClinVar variation 4700910 (VCV004700910.1).

ClinVar aggregate classification (germline): Uncertain significance (1 of 4 stars; one submission).

gnomAD v4.1: 32 of 1,346,426 alleles (0.0024%); highest among the groups gnomAD compares: East Asian, 0.12%; no homozygotes.

Submission:

Labcorp Genetics (formerly Invitae), Labcorp
Classification: Uncertain significance. Last evaluated: 2025-11-04. Review status: criteria provided, single submitter. Criteria: Invitae Variant Classification Sherloc (09022015). Collection method: clinical testing. Allele origin: germline.
Comment: This sequence change replaces asparagine, which is neutral and polar, with lysine, which is basic and polar, at codon 30 of the PALM protein (p.Asn30Lys). This variant is present in population databases (rs762844424, gnomAD 0.2%), and has an allele count higher than expected for a pathogenic variant. This variant has not been reported in the literature in individuals affected with PALM-related conditions. An algorithm developed to predict the effect of missense changes on protein structure and function (PolyPhen-2) suggests that this variant is likely to be tolerated. In summary, the available evidence is currently insufficient to determine the role of this variant in disease. Therefore, it has been classified as a Variant of Uncertain Significance.